The following is an entry in ClinVar:

NM_022552.5(DNMT3A):c.939G>A (p.Trp313Ter)

Gene: DNMT3A (DNA methyltransferase 3 alpha; minus strand). Cytogenetic location: 2p23.3.
Variant type: single nucleotide variant.
Coding change: c.939G>A on transcript NM_022552.5 (MANE Select); coding-DNA position 939, G replaced by A.
Protein change: p.Trp313Ter; replaces tryptophan 313 with a stop codon.
Molecular consequence: nonsense. On other transcripts: non-coding transcript variant (1).
Genome position (GRCh38, 1-based): chr2:25,247,666, C>T on the plus strand (G>A on the coding strand, the complement: DNMT3A is on the minus strand). VCF-style: chr2-25247666-C-T. GRCh37 (hg19) VCF-style: chr2-25470535-C-T.
Other names: c.483G>A, p.Trp161Ter (NM_001320893.1); c.270G>A, p.Trp90Ter (NM_001375819.1); c.372G>A, p.Trp124Ter (NM_153759.3); c.939G>A, p.Trp313Ter (NM_175629.2); short protein forms W124*, W161*, W313*, W90*.
Identifiers: ClinVar variation 4983897 (VCV004983897.1).

ClinVar aggregate classification (germline): Likely pathogenic (1 of 4 stars; one submission).

Conditions:
DNMT3A-related disorder. Also called: DNMT3A-related disorders; DNMT3A-related condition.

gnomAD v4.1: 16 of 1,613,866 alleles (0.00099%); highest among the groups gnomAD compares: East Asian, 0.0022%; no homozygotes.

Submission:

PreventionGenetics, part of Exact Sciences
Classification: Likely pathogenic for DNMT3A-related condition. Last evaluated: 2026-03-19. Review status: criteria provided, single submitter. Criteria: ACMG Guidelines, 2015. Collection method: clinical testing. Allele origin: germline.
Comment: The DNMT3A c.939G>A variant is predicted to result in premature protein termination (p.Trp313*). This variant has been reported in a cohort study regarding individuals with sudden death after COVID-19 vaccination (Ittiwut et al. 2022. PubMed ID: 35934244). This variant is reported in 0.0096% of alleles in individuals of Ashkenazi Jewish descent in gnomAD. Nonsense variants in DNMT3A are expected to be pathogenic. This variant is interpreted as likely pathogenic.